The following is an entry in ClinVar:

ClinVar aggregate classification (germline): Uncertain significance (1 of 4 stars; one submission).

Allele frequency attached by ClinVar (database versions not stated): gnomAD 0.00002; gnomAD exomes 0.00003; TOPMed 0.00004.
gnomAD v4.1: 49 of 1,614,070 alleles (0.003%); highest among the groups gnomAD compares: Non-Finnish European, 0.0039%; no homozygotes.

Submission:

Labcorp Genetics (formerly Invitae), Labcorp
Classification: Uncertain significance. Last evaluated: 2025-12-06. Review status: criteria provided, single submitter. Criteria: Invitae Variant Classification Sherloc (09022015). Collection method: clinical testing. Allele origin: germline.
Comment: This sequence change replaces alanine, which is neutral and non-polar, with valine, which is neutral and non-polar, at codon 307 of the HYOU1 protein (p.Ala307Val). This variant is present in population databases (rs199962136, gnomAD 0.004%). This variant has not been reported in the literature in individuals affected with HYOU1-related conditions. ClinVar contains an entry for this variant (Variation ID: 1497100). An algorithm developed to predict the effect of missense changes on protein structure and function (PolyPhen-2) suggests that this variant is likely to be disruptive. In summary, the available evidence is currently insufficient to determine the role of this variant in disease. Therefore, it has been classified as a Variant of Uncertain Significance.

NM_006389.5(HYOU1):c.920C>T (p.Ala307Val)

Gene: HYOU1 (hypoxia up-regulated 1; minus strand). Cytogenetic location: 11q23.3.
Variant type: single nucleotide variant.
Coding change: c.920C>T on transcript NM_006389.5 (MANE Select); coding-DNA position 920, C replaced by T.
Protein change: p.Ala307Val; replaces alanine 307 with valine.
Molecular consequence: missense variant.
Genome position (GRCh38, 1-based): chr11:119,052,704, G>A on the plus strand (C>T on the coding strand, the complement: HYOU1 is on the minus strand). VCF-style: chr11-119052704-G-A. GRCh37 (hg19) VCF-style: chr11-118923416-G-A.
Other names: c.920C>T, p.Ala307Val (NM_001130991.3); short protein forms A307V.
Identifiers: ClinVar variation 1497100 (VCV001497100.6), dbSNP rs199962136, ClinGen allele CA229623580.